The following is an entry in ClinVar:

NM_000038.6(APC):c.3754T>C (p.Ser1252Pro)

Gene: APC (APC regulator of Wnt signaling pathway; plus strand). Cytogenetic location: 5q22.2.
Variant type: single nucleotide variant.
Coding change: c.3754T>C on transcript NM_000038.6 (MANE Select); coding-DNA position 3754, T replaced by C.
Protein change: p.Ser1252Pro; replaces serine 1252 with proline.
Molecular consequence: missense variant.
Genome position (GRCh38, 1-based): chr5:112,839,348, T>C. VCF-style: chr5-112839348-T-C. GRCh37 (hg19) VCF-style: chr5-112175045-T-C.
Other names: c.3754T>C (NM_000038.5); c.3754T>C, p.Ser1252Pro (NM_001127510.3, NM_001354895.2); c.3700T>C, p.Ser1234Pro (NM_001127511.3); c.3808T>C, p.Ser1270Pro (NM_001354896.2); c.3784T>C, p.Ser1262Pro (NM_001354897.2); c.3679T>C, p.Ser1227Pro (NM_001354898.2); c.3670T>C, p.Ser1224Pro (NM_001354899.2); c.3631T>C, p.Ser1211Pro (NM_001354900.2); and 6 more; short protein forms S1092P, S1126P, S1151P, S1161P, S1193P, S1211P, S1224P, S1227P.
Identifiers: ClinVar variation 1056642 (VCV001056642.11), dbSNP rs1561587386, ClinGen allele CA16029567.

ClinVar aggregate classification (germline): Conflicting classifications of pathogenicity. Review status: criteria provided, conflicting classifications (1 of 4 stars). 2 submissions from 2 submitters: Uncertain significance (1); Likely benign (1). Last evaluated 2024-01-03.

Conditions:
Familial adenomatous polyposis 1 (FAP1). Also called: FAMILIAL ADENOMATOUS POLYPOSIS 1, ATTENUATED; POLYPOSIS, ADENOMATOUS INTESTINAL. Identifiers: MedGen C2713442, MONDO:0021056, OMIM 175100. Disease mechanism: loss of function.
Hereditary cancer-predisposing syndrome. Also called: Hereditary Cancer Syndrome; Tumor predisposition; Hereditary neoplastic syndrome; Neoplastic Syndromes, Hereditary. Identifiers: Orphanet 140162, MedGen C0027672, MeSH D009386, MONDO:0015356.

Submissions (2):

Ambry Genetics
Classification: Likely benign for Hereditary cancer-predisposing syndrome. Last evaluated: 2024-01-03. Review status: criteria provided, single submitter. Criteria: Ambry Variant Classification Scheme 2023. Collection method: clinical testing. Allele origin: germline.

Labcorp Genetics (formerly Invitae), Labcorp
Classification: Uncertain significance for Familial adenomatous polyposis 1. Last evaluated: 2020-10-25. Review status: criteria provided, single submitter. Criteria: Invitae Variant Classification Sherloc (09022015). Collection method: clinical testing. Allele origin: germline.
Comment: This sequence change replaces serine with proline at codon 1252 of the APC protein (p.Ser1252Pro). The serine residue is weakly conserved and there is a moderate physicochemical difference between serine and proline. In summary, the available evidence is currently insufficient to determine the role of this variant in disease. Therefore, it has been classified as a Variant of Uncertain Significance. Algorithms developed to predict the effect of missense changes on protein structure and function output the following: SIFT: "Tolerated"; PolyPhen-2: "Benign"; Align-GVGD: "Class C0". The proline amino acid residue is found in multiple mammalian species, suggesting that this missense change does not adversely affect protein function. These predictions have not been confirmed by published functional studies and their clinical significance is uncertain. This variant has not been reported in the literature in individuals with APC-related conditions. This variant is not present in population databases (ExAC no frequency).